The following is an entry in ClinVar:

NM_012330.4(KAT6B):c.5146_5147del (p.Gln1716fs)

Gene: KAT6B (lysine acetyltransferase 6B; plus strand). Cytogenetic location: 10q22.2.
Variant type: Microsatellite.
Coding change: c.5146_5147del on transcript NM_012330.4 (MANE Select); coding-DNA positions 5146 to 5147, 2 bases deleted (CA; older notation c.5146_5147delCA).
Protein change: p.Gln1716fs; shifts the reading frame from glutamine 1716.
Molecular consequence: frameshift variant.
Genome position (GRCh38, 1-based): chr10:75,029,970-75,029,971, CA deleted; deleting any 2 consecutive bases within chr10:75,029,967-75,029,971 gives the same sequence; the c. name uses the placement nearest the transcript's 3' end. VCF-style (leftmost placement, unchanged base first): chr10-75029966-GAC-G. GRCh37 (hg19) VCF-style: chr10-76789724-GAC-G.
Other names: c.4597_4598del, p.Gln1533fs (NM_001256468.2, NM_001370138.1); c.4270_4271del, p.Gln1424fs (NM_001256469.2, NM_001370139.1, NM_001370140.1 and 2 more transcripts); c.4108_4109del, p.Gln1370fs (NM_001370132.1); c.3457_3458del, p.Gln1153fs (NM_001370133.1); c.3061_3062del, p.Gln1021fs (NM_001370134.1); c.2803_2804del, p.Gln935fs (NM_001370135.1); c.5146_5147del, p.Gln1716fs (NM_001370136.1, NM_001370137.1); c.4081_4082del, p.Gln1361fs (NM_001370143.1, NM_001370144.1); short protein forms Q1361fs, Q1716fs, Q1153fs, Q1424fs, Q1533fs, Q1021fs, Q935fs, Q1370fs.
Identifiers: ClinVar variation 2091875 (VCV002091875.4), dbSNP rs2549208798, ClinGen allele CA2580615517.
Genomic context (GRCh38, chr10:75,029,966, plus strand): 5'-CTGTGGAAACGGCTCTTCACAGAACAGCTGCTCCTATAGCAACCTCACCTCCAGCAGTCT[GAC>G]ACAGAGCAGCTGTGCTGTCACCCAGCAGATGTCCAACATCAGCGGGAGCTGCAGCATGCT-3'

ClinVar aggregate classification (germline): Pathogenic (1 of 4 stars; one submission).

Conditions:
Genitopatellar syndrome (GTPTS). Also called: ABSENT PATELLAE, SCROTAL HYPOPLASIA, RENAL ANOMALIES, FACIAL DYSMORPHISM, AND MENTAL RETARDATION; Genitopatellar syndrome (GPS). Identifiers: Orphanet 85201, MedGen C1853566, MONDO:0011640, OMIM 606170.

Submission:

Labcorp Genetics (formerly Invitae), Labcorp
Classification: Pathogenic for Genitopatellar syndrome. Last evaluated: 2022-10-13. Review status: criteria provided, single submitter. Criteria: Invitae Variant Classification Sherloc (09022015). Collection method: clinical testing. Allele origin: germline.
Comment: This sequence change creates a premature translational stop signal (p.Gln1716Glufs*58) in the KAT6B gene. While this is not anticipated to result in nonsense mediated decay, it is expected to disrupt the last 358 amino acid(s) of the KAT6B protein. For these reasons, this variant has been classified as Pathogenic. This variant disrupts a region of the KAT6B protein in which other variant(s) (p.Tyr1834*) have been determined to be pathogenic (Invitae). This suggests that this is a clinically significant region of the protein, and that variants that disrupt it are likely to be disease-causing. This variant has not been reported in the literature in individuals affected with KAT6B-related conditions. This variant is not present in population databases (gnomAD no frequency).